The following is an entry in ClinVar:

ClinVar aggregate classification (germline): Pathogenic. Review status: criteria provided, multiple submitters, no conflicts (2 of 4 stars). 2 submissions from 2 submitters: Pathogenic (2). Last evaluated 2026-09-01.

Conditions:
Polycystic kidney disease 2 (PKD2). Also called: POLYCYSTIC KIDNEY DISEASE 2 WITH OR WITHOUT POLYCYSTIC LIVER DISEASE; Polycystic Kidney Disease 2, Autosomal Dominant; POLYCYSTIC KIDNEY DISEASE, ADULT, TYPE II. Identifiers: MedGen C2751306, MONDO:0013131, OMIM 613095.

Submissions (2):

CeGaT Center for Human Genetics Tuebingen
Classification: Pathogenic. Last evaluated: 2026-09-01. Review status: criteria provided, single submitter. Criteria: CeGaT Center For Human Genetics Tuebingen Variant Classification Criteria Version 2. Collection method: clinical testing. Allele origin: germline. Affected: yes. Observed: 1 variant allele.
Comment: PKD2: PVS1, PM2

MVZ Medizinische Genetik Mainz
Classification: Pathogenic for Polycystic kidney disease 2. Last evaluated: 2022-07-13. Review status: criteria provided, single submitter. Criteria: UK Practice Guidelines For Variant Classification V4 01 2020. Collection method: clinical testing. Allele origin: germline. Inheritance: Autosomal dominant inheritance. Observed: 1 variant allele.
Comment: ACMG Criteria: PVS1, PM2_SUP, PP4 (ACMG Version 4)

NM_000297.4(PKD2):c.1704del (p.Phe568fs)

Gene: PKD2 (polycystin 2, transient receptor potential cation channel; plus strand). Cytogenetic location: 4q22.1.
Variant type: Deletion.
Coding change: c.1704del on transcript NM_000297.4 (MANE Select); coding-DNA position 1704, one base deleted (T; older notation c.1704delT).
Protein change: p.Phe568fs; shifts the reading frame from phenylalanine 568.
Molecular consequence: frameshift variant. On other transcripts: non-coding transcript variant (1).
Genome position (GRCh38, 1-based): chr4:88,052,146, T deleted; the last of 6 consecutive T bases (chr4:88,052,141-88,052,146); deleting any one gives the same sequence. VCF-style (leftmost placement, unchanged base first): chr4-88052140-AT-A. GRCh37 (hg19) VCF-style: chr4-88973292-AT-A.
Other names: short protein forms F568fs.
Identifiers: ClinVar variation 3066226 (VCV003066226.2), dbSNP rs1720128947, ClinGen allele CA2671366688.